The following is an entry in ClinVar:

ClinVar aggregate classification (germline): Likely pathogenic (1 of 4 stars; one submission).

Conditions:
Pelizaeus-Merzbacher disease. Also called: LEUKODYSTROPHY, HYPOMYELINATING, 1; Sudanophilic leukodystrophy; Pelizaeus-Merzbacher spectrum disorder; Pelizaeus-Merzbacher Disease (PMD); Pelizeaus-Merzbacher spectrum disorder. Identifiers: Orphanet 702, MedGen C0205711, MONDO:0010714, OMIM 312080, HP:0003269.

Submission:

Molecular Diagnostics Lab, Nemours Children's Health, Delaware
Classification: Likely pathogenic for Pelizaeus-Merzbacher disease. Last evaluated: 2022-01-31. Review status: criteria provided, single submitter. Criteria: ACMG Guidelines, 2015. Collection method: clinical testing. Allele origin: maternal, unknown. Inheritance: X-linked inheritance. Affected: yes and no. Observed: 1 heterozygote, 1 hemizygote.
Comment: This missense variant (c.736G>T, p.Gly246Trp) has not been observed in population databases (gnomAD). It has been described in the literature (PMID 24139698). Variant prediction programs support a deleterious effect on the protein, but functional studies have not been reported.

Literature cited by the submitters: PubMed 24139698.

NM_000533.5(PLP1):c.736G>T (p.Gly246Trp)

Genes: PLP1 (proteolipid protein 1; plus strand), RAB9B (RAB9B, member RAS oncogene family; minus strand). Cytogenetic location: Xq22.2.
Variant type: single nucleotide variant.
Coding change: c.736G>T on transcript NM_000533.5 (MANE Select); coding-DNA position 736, G replaced by T.
Protein change: p.Gly246Trp; replaces glycine 246 with tryptophan.
Molecular consequence: missense variant.
Genome position (GRCh38, 1-based): chrX:103,789,372, G>T. VCF-style: chrX-103789372-G-T. GRCh37 (hg19) VCF-style: chrX-103044301-G-T.
Other names: c.736G>T, p.Gly246Trp (NM_001128834.3); c.571G>T, p.Gly191Trp (NM_001305004.1); c.631G>T, p.Gly211Trp (NM_199478.3); short protein forms G191W, G211W, G246W.
Identifiers: ClinVar variation 3255454 (VCV003255454.2), dbSNP rs2147768028.